The following is an entry in ClinVar:

ClinVar aggregate classification (germline): Likely benign. Review status: criteria provided, multiple submitters, no conflicts (2 of 4 stars). 3 submissions from 3 submitters: Likely benign (3). Last evaluated 2025-01-01.

Conditions:
Catecholaminergic polymorphic ventricular tachycardia (CVPT). Also called: Catecholamine-induced polymorphic ventricular tachycardia. Identifiers: Orphanet 3286, MedGen C5574922, MONDO:0017990.
Cardiomyopathy (CMYO). Also called: Cardiomyopathies. Identifiers: Orphanet 167848, MedGen C0878544, MONDO:0004994, HP:0001638. Inheritance: Various modes of inheritance.
Catecholaminergic polymorphic ventricular tachycardia 1. Also called: VENTRICULAR TACHYCARDIA, CATECHOLAMINERGIC POLYMORPHIC, 1, WITH OR WITHOUT ATRIAL DYSFUNCTION AND/OR DILATED CARDIOMYOPATHY; VENTRICULAR TACHYCARDIA, STRESS-INDUCED POLYMORPHIC 1; RYR2-Related Catecholaminergic Polymorphic Ventricular Tachycardia. Identifiers: Orphanet 3286, MedGen C1631597, MONDO:0011484, OMIM 604772.

Allele frequency attached by ClinVar (database versions not stated): TOPMed below 0.00001.
gnomAD v4.1: 7 of 1,613,420 alleles (0.00043%); highest among the groups gnomAD compares: African/African-American, 0.0053%; no homozygotes.

Submissions (3):

Labcorp Genetics (formerly Invitae), Labcorp
Classification: Likely benign for Catecholaminergic polymorphic ventricular tachycardia 1. Last evaluated: 2025-01-01. Review status: criteria provided, single submitter. Criteria: Invitae Variant Classification Sherloc (09022015). Collection method: clinical testing. Allele origin: germline.

All of Us Research Program, National Institutes of Health
Classification: Likely benign for Catecholaminergic polymorphic ventricular tachycardia. Last evaluated: 2024-05-30. Review status: criteria provided, single submitter. Criteria: ACMG Guidelines, 2015. Collection method: clinical testing. Allele origin: germline. Inheritance: Autosomal dominant inheritance. Observed: 1 variant allele, 1 heterozygote.
Comment: This study involves interpretation of variants in research participants for the purpose of population health screening. Participant phenotype was not available at the time of variant classification. Additional details can be found in publication PMID: 35346344, PMCID: PMC8962531

Color Diagnostics, LLC DBA Color Health
Classification: Likely benign for Cardiomyopathy. Last evaluated: 2019-03-11. Review status: criteria provided, single submitter. Criteria: ACMG Guidelines, 2015. Collection method: clinical testing. Allele origin: germline.

NM_001035.3(RYR2):c.4242G>A (p.Arg1414=)

Gene: RYR2 (ryanodine receptor 2; plus strand). Cytogenetic location: 1q43.
Variant type: single nucleotide variant.
Coding change: c.4242G>A on transcript NM_001035.3 (MANE Select); coding-DNA position 4242, G replaced by A.
Protein change: p.Arg1414=; no amino-acid change (arginine 1414 retained).
Molecular consequence: synonymous variant.
Genome position (GRCh38, 1-based): chr1:237,591,820, G>A. VCF-style: chr1-237591820-G-A. GRCh37 (hg19) VCF-style: chr1-237755120-G-A.
Identifiers: ClinVar variation 926538 (VCV000926538.5), dbSNP rs371748225, ClinGen allele CA39804159.